The following is an entry in ClinVar:

NM_144631.6(ZNF513):c.977G>A (p.Gly326Asp)

Gene: ZNF513 (zinc finger protein 513; minus strand). Cytogenetic location: 2p23.3.
Variant type: single nucleotide variant.
Coding change: c.977G>A on transcript NM_144631.6 (MANE Select); coding-DNA position 977, G replaced by A.
Protein change: p.Gly326Asp; replaces glycine 326 with aspartic acid.
Molecular consequence: missense variant.
Genome position (GRCh38, 1-based): chr2:27,378,194, C>T on the plus strand (G>A on the coding strand, the complement: ZNF513 is on the minus strand). VCF-style: chr2-27378194-C-T. GRCh37 (hg19) VCF-style: chr2-27601061-C-T.
Other names: c.791G>A, p.Gly264Asp (NM_001201459.2); short protein forms G264D, G326D.
Identifiers: ClinVar variation 1355301 (VCV001355301.9), dbSNP rs754327362, ClinGen allele CA1577887.

ClinVar aggregate classification (germline): Uncertain significance. Review status: criteria provided, multiple submitters, no conflicts (2 of 4 stars). 2 submissions from 2 submitters: Uncertain significance (2). Last evaluated 2024-03-02.

Allele frequency attached by ClinVar (database versions not stated): gnomAD exomes below 0.00001 and 0.00001; TOPMed below 0.00001; ExAC 0.00001; gnomAD 0.00002.

Submissions (2):

Labcorp Genetics (formerly Invitae), Labcorp
Classification: Uncertain significance. Last evaluated: 2024-03-02. Review status: criteria provided, single submitter. Criteria: Invitae Variant Classification Sherloc (09022015). Collection method: clinical testing. Allele origin: germline.
Comment: This sequence change replaces glycine, which is neutral and non-polar, with aspartic acid, which is acidic and polar, at codon 326 of the ZNF513 protein (p.Gly326Asp). This variant is present in population databases (rs754327362, gnomAD 0.0009%). This variant has not been reported in the literature in individuals affected with ZNF513-related conditions. ClinVar contains an entry for this variant (Variation ID: 1355301). An algorithm developed to predict the effect of missense changes on protein structure and function (PolyPhen-2) suggests that this variant is likely to be disruptive. Algorithms developed to predict the effect of sequence changes on RNA splicing suggest that this variant may create or strengthen a splice site. In summary, the available evidence is currently insufficient to determine the role of this variant in disease. Therefore, it has been classified as a Variant of Uncertain Significance.

Blueprint Genetics
Classification: Uncertain significance. Last evaluated: 2022-06-13. Review status: criteria provided, single submitter. Criteria: ACMG Guidelines, 2015. Collection method: clinical testing. Allele origin: germline.